The following is an entry in ClinVar:

NM_020949.3(SLC7A14):c.1727T>A (p.Met576Lys)

Genes: SLC7A14 (solute carrier family 7 member 14; minus strand), SLC7A14-AS1 (SLC7A14 antisense RNA 1; plus strand). Cytogenetic location: 3q26.2.
Variant type: single nucleotide variant.
Coding change: c.1727T>A on transcript NM_020949.3 (MANE Select); coding-DNA position 1727, T replaced by A.
Protein change: p.Met576Lys; replaces methionine 576 with lysine.
Molecular consequence: missense variant.
Genome position (GRCh38, 1-based): chr3:170,480,555, A>T on the plus strand (T>A on the coding strand, the complement: SLC7A14 is on the minus strand). VCF-style: chr3-170480555-A-T. GRCh37 (hg19) VCF-style: chr3-170198344-A-T.
Other names: short protein forms M576K.
Identifiers: ClinVar variation 1006026 (VCV001006026.10), dbSNP rs200211446, ClinGen allele CA2701573.

ClinVar aggregate classification (germline): Uncertain significance. Review status: criteria provided, multiple submitters, no conflicts (2 of 4 stars). 3 submissions from 3 submitters: Uncertain significance (2). 1 of the submissions does not count toward it. Last evaluated 2025-07-14.

Conditions:
Retinal dystrophy. Also called: Inherited retinal dystrophy. Identifiers: Orphanet 71862, MedGen C0854723, MeSH D058499, MONDO:0019118, HP:0000556.

Allele frequency attached by ClinVar (database versions not stated): ExAC 0.00002; gnomAD 0.00003 and 0.00004; TOPMed 0.00004; gnomAD exomes 0.00005.
gnomAD v4.1: 102 of 1,614,098 alleles (0.0063%); highest among the groups gnomAD compares: Non-Finnish European, 0.0081%; no homozygotes.

Submissions (3):

Labcorp Genetics (formerly Invitae), Labcorp
Classification: Uncertain significance. Last evaluated: 2025-07-14. Review status: criteria provided, single submitter. Criteria: Invitae Variant Classification Sherloc (09022015). Collection method: clinical testing. Allele origin: germline.
Comment: This sequence change replaces methionine, which is neutral and non-polar, with lysine, which is basic and polar, at codon 576 of the SLC7A14 protein (p.Met576Lys). This variant is present in population databases (rs200211446, gnomAD 0.01%). This variant has not been reported in the literature in individuals affected with SLC7A14-related conditions. ClinVar contains an entry for this variant (Variation ID: 1006026). An algorithm developed to predict the effect of missense changes on protein structure and function (PolyPhen-2) suggests that this variant is likely to be tolerated. In summary, the available evidence is currently insufficient to determine the role of this variant in disease. Therefore, it has been classified as a Variant of Uncertain Significance.

Blueprint Genetics
Classification: Uncertain significance. Last evaluated: 2024-02-29. Review status: criteria provided, single submitter. Criteria: ACMG Guidelines, 2015. Collection method: clinical testing. Allele origin: germline.

Institute of Human Genetics, Univ. Regensburg, Univ. Regensburg
Classification: Uncertain significance for Retinal dystrophy. Last evaluated: 2023-01-01. Review status: no assertion criteria provided. Criteria: ACMG Guidelines, 2015. Collection method: clinical testing. Allele origin: germline. Affected: yes. Not counted in ClinVar's aggregate classification.